The following is an entry in ClinVar:

ClinVar aggregate classification (germline): Conflicting classifications of pathogenicity. Review status: criteria provided, conflicting classifications (1 of 4 stars). 8 submissions from 7 submitters: Uncertain significance (5); Likely benign (1). 2 of the submissions do not count toward it. Last evaluated 2026-10-13.

Conditions:
Adams-Oliver syndrome 5 (AOS5). Identifiers: Orphanet 974, MedGen C4014970, MONDO:0014459, OMIM 616028.
Familial thoracic aortic aneurysm and aortic dissection (TAAD). Also called: Thoracic aortic aneurysms and dissections. Identifiers: Orphanet 91387, MedGen C4707243, MONDO:0019625.
Aortic valve disease 1 (AOVD1). Identifiers: MedGen C3887892, MONDO:0024523, OMIM 109730.

Allele frequency attached by ClinVar (database versions not stated): TOPMed 0.00003; ExAC 0.00004; gnomAD 0.00006 and 0.00005; gnomAD exomes 0.00003 and 0.00006.
gnomAD v4.1: 56 of 1,612,740 alleles (0.0035%); highest among the groups gnomAD compares: African/African-American, 0.0053%; no homozygotes.

Submissions (8):

GeneDx
Classification: Uncertain significance. Last evaluated: 2026-10-13. Review status: criteria provided, single submitter. Criteria: GeneDx Variant Classification Process June 2021. Collection method: clinical testing. Allele origin: germline.
Comment: In silico analysis supports that this missense variant has a deleterious effect on protein structure/function; This variant is associated with the following publications: (PMID: 25803323, 24030381, 29217782, 26820064, 37198425, 25500235)

Labcorp Genetics (formerly Invitae), Labcorp
Classification: Likely benign for Adams-Oliver syndrome 5. Last evaluated: 2025-12-21. Review status: criteria provided, single submitter. Criteria: Invitae Variant Classification Sherloc (09022015). Collection method: clinical testing. Allele origin: germline.

Ambry Genetics
Classification: Uncertain significance for Familial thoracic aortic aneurysm and aortic dissection. Last evaluated: 2024-09-26. Review status: criteria provided, single submitter. Criteria: Ambry Variant Classification Scheme 2023. Collection method: clinical testing. Allele origin: germline.

Clinical Genetics Laboratory, Skane University Hospital Lund
Classification: Uncertain significance. Last evaluated: 2023-03-22. Review status: criteria provided, single submitter. Criteria: ACMG Guidelines, 2015. Collection method: clinical testing. Allele origin: germline. Affected: yes.

Genome-Nilou Lab
Classification: Uncertain significance for Adams-Oliver syndrome 5. Last evaluated: 2022-03-15. Review status: criteria provided, single submitter. Criteria: ACMG Guidelines, 2015. Collection method: clinical testing. Allele origin: germline. Affected: no.

Genome-Nilou Lab
Classification: Uncertain significance for Aortic valve disease 1. Last evaluated: 2022-03-15. Review status: criteria provided, single submitter. Criteria: ACMG Guidelines, 2015. Collection method: clinical testing. Allele origin: germline. Affected: no.

Genome Diagnostics Laboratory, University Medical Center Utrecht
Classification: Uncertain significance. Review status: no assertion criteria provided. Collection method: clinical testing. Allele origin: germline. Affected: yes. Study: VKGL Data-share Consensus. Not counted in ClinVar's aggregate classification.

Joint Genome Diagnostic Labs from Nijmegen and Maastricht, Radboudumc and MUMC+
Classification: Uncertain significance. Review status: no assertion criteria provided. Collection method: clinical testing. Allele origin: germline. Affected: yes. Study: VKGL Data-share Consensus. Not counted in ClinVar's aggregate classification.

NM_017617.5(NOTCH1):c.3271G>A (p.Gly1091Ser)

Gene: NOTCH1 (notch receptor 1; minus strand). Cytogenetic location: 9q34.3.
Variant type: single nucleotide variant.
Coding change: c.3271G>A on transcript NM_017617.5 (MANE Select); coding-DNA position 3271, G replaced by A.
Protein change: p.Gly1091Ser; replaces glycine 1091 with serine.
Molecular consequence: missense variant.
Genome position (GRCh38, 1-based): chr9:136,508,286, C>T on the plus strand (G>A on the coding strand, the complement: NOTCH1 is on the minus strand). VCF-style: chr9-136508286-C-T. GRCh37 (hg19) VCF-style: chr9-139402738-C-T.
Other names: c.3271G>A, p.Gly1091Ser (LRG_1122t1); short protein forms G1091S.
Identifiers: ClinVar variation 241135 (VCV000241135.23), dbSNP rs768095251, ClinGen allele CA5340999.